The following is an entry in ClinVar:

NM_003265.3(TLR3):c.176C>A (p.Thr59Asn)

Gene: TLR3 (toll like receptor 3; plus strand). Cytogenetic location: 4q35.1.
Variant type: single nucleotide variant.
Coding change: c.176C>A on transcript NM_003265.3 (MANE Select); coding-DNA position 176, C replaced by A.
Protein change: p.Thr59Asn; replaces threonine 59 with asparagine.
Molecular consequence: missense variant.
Genome position (GRCh38, 1-based): chr4:186,076,795, C>A. VCF-style: chr4-186076795-C-A. GRCh37 (hg19) VCF-style: chr4-186997949-C-A.
Other names: short protein forms T59N.
Identifiers: ClinVar variation 569628 (VCV000569628.12), dbSNP rs143307508, ClinGen allele CA3161170.

ClinVar aggregate classification (germline): Uncertain significance. Review status: criteria provided, multiple submitters, no conflicts (2 of 4 stars). 3 submissions from 3 submitters: Uncertain significance (3). Last evaluated 2025-12-05.

Conditions:
Immunodeficiency 83, susceptibility to viral infections. Identifiers: Orphanet 1930, MedGen C2751803, MONDO:0800187, OMIM 613002.
Susceptibility to HIV infection. Also called: HUMAN IMMUNODEFICIENCY VIRUS TYPE 1, RESISTANCE TO; Human immunodeficiency virus type 1, susceptibility to; HIV-1, SUSCEPTIBILITY TO. Identifiers: MedGen C1836230, MONDO:0004951, OMIM 609423.
Encephalopathy, acute, infection-induced (herpes-specific), susceptibility to, 1. Also called: Herpes simplex encephalitis, susceptibility to, 1. Identifiers: Orphanet 1930, MedGen C2750180, MONDO:0024563, OMIM 610551.

Allele frequency attached by ClinVar (database versions not stated): 1000 Genomes Project 0.00020; gnomAD exomes 0.00023 and 0.00018; gnomAD 0.00024 and 0.00023; ESP Exome Variant Server 0.00038; ExAC 0.00023; 1000 Genomes Project 30x 0.00016; TOPMed 0.00023.

Submissions (3):

Labcorp Genetics (formerly Invitae), Labcorp
Classification: Uncertain significance for Encephalopathy, acute, infection-induced (herpes-specific), susceptibility to, 1. Last evaluated: 2025-12-05. Review status: criteria provided, single submitter. Criteria: Invitae Variant Classification Sherloc (09022015). Collection method: clinical testing. Allele origin: germline.
Comment: This sequence change replaces threonine, which is neutral and polar, with asparagine, which is neutral and polar, at codon 59 of the TLR3 protein (p.Thr59Asn). This variant is present in population databases (rs143307508, gnomAD 0.05%). This missense change has been observed in individual(s) with herpes simplex encephalitis (PMID: 29217828). ClinVar contains an entry for this variant (Variation ID: 569628). An algorithm developed to predict the effect of missense changes on protein structure and function (PolyPhen-2) suggests that this variant is likely to be tolerated. In summary, the available evidence is currently insufficient to determine the role of this variant in disease. Therefore, it has been classified as a Variant of Uncertain Significance.

Blueprint Genetics
Classification: Uncertain significance. Last evaluated: 2023-10-12. Review status: criteria provided, single submitter. Criteria: ACMG Guidelines, 2015. Collection method: clinical testing. Allele origin: germline.

Fulgent Genetics
Classification: Uncertain significance for Susceptibility to HIV infection; Immunodeficiency 83, susceptibility to viral infections. Last evaluated: 2022-05-12. Review status: criteria provided, single submitter. Criteria: ACMG Guidelines, 2015. Collection method: clinical testing. Allele origin: unknown.

Literature cited by the submitters: PubMed 29217828 (cited by Labcorp Genetics (formerly Invitae), Labcorp).